The following is an entry in ClinVar:

ClinVar aggregate classification (germline): Uncertain significance (1 of 4 stars; one submission).

Conditions:
Cardiovascular phenotype. Identifiers: MedGen CN230736.

gnomAD v4.1: 1 of 1,613,976 alleles (0.000062%); highest among the groups gnomAD compares: Non-Finnish European, 0.000085%; no homozygotes.

Submission:

Ambry Genetics
Classification: Uncertain significance for Cardiovascular phenotype. Last evaluated: 2023-12-15. Review status: criteria provided, single submitter. Criteria: Ambry Variant Classification Scheme 2023. Collection method: clinical testing. Allele origin: germline.
Comment: The p.M844V variant (also known as c.2530A>G), located in coding exon 16 of the FLNC gene, results from an A to G substitution at nucleotide position 2530. The methionine at codon 844 is replaced by valine, an amino acid with highly similar properties. This amino acid position is conserved. In addition, the in silico prediction for this alteration is inconclusive. Since supporting evidence is limited at this time, the clinical significance of this alteration remains unclear.

NM_001458.5(FLNC):c.2530A>G (p.Met844Val)

Gene: FLNC (filamin C; plus strand). Cytogenetic location: 7q32.1.
Variant type: single nucleotide variant.
Coding change: c.2530A>G on transcript NM_001458.5 (MANE Select); coding-DNA position 2530, A replaced by G.
Protein change: p.Met844Val; replaces methionine 844 with valine.
Molecular consequence: missense variant.
Genome position (GRCh38, 1-based): chr7:128,842,934, A>G. VCF-style: chr7-128842934-A-G. GRCh37 (hg19) VCF-style: chr7-128482988-A-G.
Other names: c.2530A>G, p.Met844Val (NM_001127487.2); short protein forms M844V.
Identifiers: ClinVar variation 3221711 (VCV003221711.1), dbSNP rs2536632357, ClinGen allele CA369191972.